The following is an entry in ClinVar:

ClinVar aggregate classification (germline): Uncertain significance (1 of 4 stars; one submission).

Conditions:
SLC10A2-related disorder. Also called: SLC10A2-related condition.

Submission:

PreventionGenetics, part of Exact Sciences
Classification: Uncertain significance for SLC10A2-related condition. Last evaluated: 2026-04-12. Review status: criteria provided, single submitter. Criteria: ACMG Guidelines, 2015. Collection method: clinical testing. Allele origin: germline.
Comment: The SLC10A2 c.648C>A variant is predicted to result in premature protein termination (p.Tyr216*). To our knowledge, this variant has not been reported in the literature or in a large population database (gnomAD), indicating this variant is rare. Although we suspect that this variant may be pathogenic, at this time, the clinical significance of this variant is uncertain due to the absence of conclusive functional and genetic evidence.

NM_000452.3(SLC10A2):c.648C>A (p.Tyr216Ter)

Gene: SLC10A2 (solute carrier family 10 member 2; minus strand). Cytogenetic location: 13q33.1.
Variant type: single nucleotide variant.
Coding change: c.648C>A on transcript NM_000452.3 (MANE Select); coding-DNA position 648, C replaced by A.
Protein change: p.Tyr216Ter; replaces tyrosine 216 with a stop codon.
Molecular consequence: nonsense.
Genome position (GRCh38, 1-based): chr13:103,051,370, G>T on the plus strand (C>A on the coding strand, the complement: SLC10A2 is on the minus strand). VCF-style: chr13-103051370-G-T. GRCh37 (hg19) VCF-style: chr13-103703720-G-T.
Other names: short protein forms Y216*.
Identifiers: ClinVar variation 4995223 (VCV004995223.1).